The following is an entry in ClinVar:

NM_181507.2(HPS5):c.3136C>T (p.Gln1046Ter)

Gene: HPS5 (HPS5 biogenesis of lysosomal organelles complex 2 subunit 2; minus strand). Cytogenetic location: 11p15.1.
Variant type: single nucleotide variant.
Coding change: c.3136C>T on transcript NM_181507.2 (MANE Select); coding-DNA position 3136, C replaced by T.
Protein change: p.Gln1046Ter; replaces glutamine 1046 with a stop codon.
Molecular consequence: nonsense.
Genome position (GRCh38, 1-based): chr11:18,282,143, G>A on the plus strand (C>T on the coding strand, the complement: HPS5 is on the minus strand). VCF-style: chr11-18282143-G-A. GRCh37 (hg19) VCF-style: chr11-18303690-G-A.
Other names: c.2794C>T, p.Gln932Ter (NM_007216.4, NM_181508.2); short protein forms Q1046*, Q932*.
Identifiers: ClinVar variation 2872457 (VCV002872457.3), dbSNP rs927207558, ClinGen allele CA379511897.

ClinVar aggregate classification (germline): Pathogenic (1 of 4 stars; one submission).

gnomAD v4.1: 2 of 1,614,076 alleles (0.00012%); highest among the groups gnomAD compares: Admixed American, 0.0017%; no homozygotes.

Submission:

Labcorp Genetics (formerly Invitae), Labcorp
Classification: Pathogenic. Last evaluated: 2023-12-18. Review status: criteria provided, single submitter. Criteria: Invitae Variant Classification Sherloc (09022015). Collection method: clinical testing. Allele origin: germline.
Comment: This sequence change creates a premature translational stop signal (p.Gln1046*) in the HPS5 gene. It is expected to result in an absent or disrupted protein product. Loss-of-function variants in HPS5 are known to be pathogenic (PMID: 12548288, 15296495, 21833017, 26785811). This variant is not present in population databases (gnomAD no frequency). This variant has not been reported in the literature in individuals affected with HPS5-related conditions. For these reasons, this variant has been classified as Pathogenic.

Literature cited by the submitters: PubMed 12548288; PubMed 15296495; PubMed 21833017; PubMed 26785811.